The following is an entry in ClinVar:

ClinVar aggregate classification (germline): Uncertain significance (1 of 4 stars; one submission).

Conditions:
Hereditary cancer-predisposing syndrome. Also called: Neoplastic Syndromes, Hereditary; Tumor predisposition; Hereditary Cancer Syndrome; Hereditary neoplastic syndrome. Identifiers: Orphanet 140162, MedGen C0027672, MeSH D009386, MONDO:0015356.

Submission:

Ambry Genetics
Classification: Uncertain significance for Hereditary cancer-predisposing syndrome. Last evaluated: 2025-01-24. Review status: criteria provided, single submitter. Criteria: Ambry Variant Classification Scheme 2023. Collection method: clinical testing. Allele origin: germline.
Comment: The p.A1357S variant (also known as c.4069G>T), located in coding exon 20 of the BLM gene, results from a G to T substitution at nucleotide position 4069. The alanine at codon 1357 is replaced by serine, an amino acid with similar properties. This amino acid position is conserved. In addition, this alteration is predicted to be tolerated by in silico analysis. Since supporting evidence is limited at this time, the clinical significance of this alteration remains unclear.

NM_000057.4(BLM):c.4069G>T (p.Ala1357Ser)

Gene: BLM (BLM RecQ like helicase; plus strand). Cytogenetic location: 15q26.1.
Variant type: single nucleotide variant.
Coding change: c.4069G>T on transcript NM_000057.4 (MANE Select); coding-DNA position 4069, G replaced by T.
Protein change: p.Ala1357Ser; replaces alanine 1357 with serine.
Molecular consequence: missense variant.
Genome position (GRCh38, 1-based): chr15:90,811,399, G>T. VCF-style: chr15-90811399-G-T. GRCh37 (hg19) VCF-style: chr15-91354629-G-T.
Other names: c.4069G>T, p.Ala1357Ser (NM_001287246.2); c.3676G>T, p.Ala1226Ser (NM_001287247.2); c.2944G>T, p.Ala982Ser (NM_001287248.2); short protein forms A1226S, A1357S, A982S.
Identifiers: ClinVar variation 1737523 (VCV001737523.3), dbSNP rs587778103, ClinGen allele CA393851556.